The following is an entry in ClinVar:

ClinVar aggregate classification (germline): Likely benign (0 of 4 stars; one submission).

Conditions:
BDNF-related disorder. Also called: BDNF-related condition.

gnomAD v4.1: 2 of 1,614,154 alleles (0.00012%); highest among the groups gnomAD compares: Non-Finnish European, 0.00017%; no homozygotes.

Submission:

PreventionGenetics, part of Exact Sciences
Classification: Likely benign for BDNF-related condition. Last evaluated: 2023-09-15. Review status: no assertion criteria provided. Collection method: clinical testing. Allele origin: germline.
Comment: This variant is classified as likely benign based on ACMG/AMP sequence variant interpretation guidelines (Richards et al. 2015 PMID: 25741868, with internal and published modifications).

NM_001709.5(BDNF):c.721T>C (p.Leu241=)

Genes: BDNF (brain derived neurotrophic factor; minus strand), BDNF-AS (BDNF antisense RNA; plus strand). Cytogenetic location: 11p14.1.
Variant type: single nucleotide variant.
Coding change: c.721T>C on transcript NM_001709.5 (MANE Select); coding-DNA position 721, T replaced by C.
Protein change: p.Leu241=; no amino-acid change (leucine 241 retained).
Molecular consequence: synonymous variant.
Genome position (GRCh38, 1-based): chr11:27,657,844, A>G on the plus strand (T>C on the coding strand, the complement: BDNF is on the minus strand). VCF-style: chr11-27657844-A-G. GRCh37 (hg19) VCF-style: chr11-27679391-A-G.
Other names: c.721T>C, p.Leu241= (NM_001143805.1, NM_001143806.1, NM_001143807.2 and 9 more transcripts); c.808T>C, p.Leu270= (NM_001143809.2); c.967T>C, p.Leu323= (NM_001143810.2); c.745T>C, p.Leu249= (NM_170731.5); c.766T>C, p.Leu256= (NM_170734.4).
Identifiers: ClinVar variation 3356097 (VCV003356097.1).
Genomic context (GRCh38, chr11:27,657,844, plus strand): 5'-TGTCTCAATATAATCTAATCTATACAACATAAATCCACTATCTTCCCCTTTTAATGGTCA[A>G]TGTACATACACAAGAAGTGTCTATCCTTATGAATCGCCAGCCAATTCTCTTTTTGCTATC-3'
Protein context (NP_001700.2, residues 231-247): IRIDTSCVCT[Leu241=]TIKRGR